The following is an entry in ClinVar:

ClinVar aggregate classification (germline): not provided (0 of 4 stars; one submission).

Conditions:
Small for gestational age. Also called: Low birth weight. Identifiers: MedGen C0235991, HP:0001518.

Submission:

Institute of Molecular and Cell Biology, University of Tartu
No classification provided. Condition: Small for gestational age. Review status: no classification provided. Collection method: case-control. Allele origin: unknown. Affected: yes. Study: Kasak2014.
Comment: The study aimed to determine the contribution of copy number variants in the genetic etiology of normal and complicated pregnancies. The samples represented (i) maternal blood DNA drawn from healthy pregnant women during 1st or 2nd trimester and (ii) maternal and paternal blood DNA drawn at term pregnancy cases representing normal and complicated gestations (severe preeclampsia, PE; gestational diabetes, GD; small-for-gestational age newborn, SGA; large-for-gestational age newborn, LGA). We performed CNV calling based on genome-wide genotyping dataset (Illumina HumanOmniExpress-24-v1 BeadChip) by applying three algorithms, QuantiSNP, GADA (Genome Alteration Detection Algorithm) and CNstream in parallel. The acquired CNV calls were merged with HD-CNV (Hotspot Detector for Copy Number Variants) program and only the CNVs predicted by at least two programs, were considered in subsequent analysis.

Literature cited by the submitters: PubMed 25666259.

CM000674.1:g.129226773_129266496dup

Gene: LOC126861684 (CDK7 strongly-dependent group 2 enhancer GRCh37_chr12:129238411-129239610; plus strand). Cytogenetic location: 12q24.33.
Variant type: Duplication.
Identifiers: ClinVar variation 157263 (VCV000157263.2).